The following is an entry in ClinVar:

ClinVar aggregate classification (germline): Likely benign (0 of 4 stars; one submission).

Conditions:
ZFP36L2-related disorder. Also called: ZFP36L2-related condition.

Allele frequency attached by ClinVar (database versions not stated): 1000 Genomes Project 30x 0.00094; 1000 Genomes Project 0.00120.

Submission:

PreventionGenetics, part of Exact Sciences
Classification: Likely benign for ZFP36L2-related condition. Last evaluated: 2020-10-26. Review status: no assertion criteria provided. Collection method: clinical testing. Allele origin: germline.
Comment: This variant is classified as likely benign based on ACMG/AMP sequence variant interpretation guidelines (Richards et al. 2015 PMID: 25741868, with internal and published modifications).

NM_006887.5(ZFP36L2):c.657C>G (p.Asp219Glu)

Gene: ZFP36L2 (ZFP36 ring finger protein like 2; minus strand). Cytogenetic location: 2p21.
Variant type: single nucleotide variant.
Coding change: c.657C>G on transcript NM_006887.5 (MANE Select); coding-DNA position 657, C replaced by G.
Protein change: p.Asp219Glu; replaces aspartic acid 219 with glutamic acid.
Molecular consequence: missense variant.
Genome position (GRCh38, 1-based): chr2:43,225,147, G>C on the plus strand (C>G on the coding strand, the complement: ZFP36L2 is on the minus strand). VCF-style: chr2-43225147-G-C. GRCh37 (hg19) VCF-style: chr2-43452286-G-C.
Other names: short protein forms D219E.
Identifiers: ClinVar variation 3049253 (VCV003049253.2), dbSNP rs201694029, ClinGen allele CA1631511.